The following is an entry in ClinVar:

NM_006087.4(TUBB4A):c.1062C>G (p.Cys354Trp)

Gene: TUBB4A (tubulin beta 4A class IVa; minus strand). Cytogenetic location: 19p13.3.
Variant type: single nucleotide variant.
Coding change: c.1062C>G on transcript NM_006087.4 (MANE Select); coding-DNA position 1062, C replaced by G.
Protein change: p.Cys354Trp; replaces cysteine 354 with tryptophan.
Molecular consequence: missense variant.
Genome position (GRCh38, 1-based): chr19:6,495,437, G>C on the plus strand (C>G on the coding strand, the complement: TUBB4A is on the minus strand). VCF-style: chr19-6495437-G-C. GRCh37 (hg19) VCF-style: chr19-6495448-G-C.
Other names: c.1215C>G, p.Cys405Trp (NM_001289123.2); c.1197C>G, p.Cys399Trp (NM_001289127.2); c.1062C>G, p.Cys354Trp (NM_001289129.2); c.846C>G, p.Cys282Trp (NM_001289130.2, NM_001289131.2); short protein forms C354W, C405W, C399W, C282W.
Identifiers: ClinVar variation 453295 (VCV000453295.7), dbSNP rs748787734, ClinGen allele CA403589064.
Genomic context (GRCh38, chr19:6,495,437, plus strand): 5'-GATGGCCGTGCTGTTGCCGATGAAGGTCGCGGCCATCTTCAGGCCGCGGGGCGGGATGTC[G>C]CACACGGCCGTCTTCACGTTGTTGGGGATCCACTCCACGAAGTAGCTGCTGTTCTTGCTC-3'
Protein context (NP_006078.2, residues 344-364): WIPNNVKTAV[Cys354Trp]DIPPRGLKMA

ClinVar aggregate classification (germline): Likely pathogenic. Review status: criteria provided, multiple submitters, no conflicts (2 of 4 stars). 3 submissions from 3 submitters: Likely pathogenic (2). 1 of the submissions does not count toward it. Last evaluated 2022-04-19.

Conditions:
Leukodystrophy, hypomyelinating, 6. Also called: Hypomyelination with Atrophy of Basal Ganglia and Cerebellum (H-ABC); LEUKODYSTROPHY, HYPOMYELINATING, WITH ATROPHY OF THE BASAL GANGLIA AND CEREBELLUM; TUBB4A-Associated Leukodystrophy. Identifiers: Orphanet 139441, MedGen C2676244, MONDO:0012905, OMIM 612438.

Submissions (3):

GeneDx
Classification: Likely pathogenic. Last evaluated: 2022-04-19. Review status: criteria provided, single submitter. Criteria: GeneDx Variant Classification Process June 2021. Collection method: clinical testing. Allele origin: germline. Affected: yes.
Comment: Not observed at significant frequency in large population cohorts (gnomAD); In silico analysis supports that this missense variant has a deleterious effect on protein structure/function; Has not been previously published as pathogenic or benign to our knowledge; This variant is associated with the following publications: (PMID: 24785942)

Molecular Diagnostics Lab, Nemours Children's Health, Delaware
Classification: Likely pathogenic for Leukodystrophy, hypomyelinating, 6. Last evaluated: 2020-12-28. Review status: criteria provided, single submitter. Criteria: ACMG Guidelines, 2015. Collection method: clinical testing. Allele origin: paternal, unknown. Inheritance: Autosomal dominant inheritance. Affected: yes and no. Observed: 2 heterozygotes.
Comment: This missense variant (c.1062C>G, P.Cys354Trp) was not observed in population databases (gnomAD). It has been reported in the literature (PMID 24785942) and variant prediction programs suggest a deleterious effect, although no functional studies have been published.

Undiagnosed Diseases Network, NIH
Classification: Likely pathogenic for Leukodystrophy, hypomyelinating, 6. Last evaluated: 2016-04-18. Review status: no assertion criteria provided. Collection method: clinical testing. Allele origin: paternal. Inheritance: Autosomal dominant inheritance. Affected: yes. Observed: 1 heterozygote. Not counted in ClinVar's aggregate classification.
Comment: Previous MRIs did not show these findings, as this is a progressive disorder. Likely pathogenicity is based on laboratory report as well as the clinical findings correlating with the diagnosis.

Literature cited by the submitters: PubMed 24785942 (cited by Undiagnosed Diseases Network, NIH).